The following is an entry in ClinVar:

NM_001701.4(BAAT):c.1126A>G (p.Thr376Ala)

Gene: BAAT (bile acid-CoA:amino acid N-acyltransferase; minus strand). Cytogenetic location: 9q31.1.
Variant type: single nucleotide variant.
Coding change: c.1126A>G on transcript NM_001701.4 (MANE Select); coding-DNA position 1126, A replaced by G.
Protein change: p.Thr376Ala; replaces threonine 376 with alanine.
Molecular consequence: missense variant.
Genome position (GRCh38, 1-based): chr9:101,362,559, T>C on the plus strand (A>G on the coding strand, the complement: BAAT is on the minus strand). VCF-style: chr9-101362559-T-C. GRCh37 (hg19) VCF-style: chr9-104124841-T-C.
Other names: c.1126A>G, p.Thr376Ala (NM_001127610.2, NM_001374715.1); short protein forms T376A.
Identifiers: ClinVar variation 2208699 (VCV002208699.3), dbSNP rs1008438936, ClinGen allele CA196948447.

ClinVar aggregate classification (germline): Uncertain significance. Review status: criteria provided, multiple submitters, no conflicts (2 of 4 stars). 2 submissions from 2 submitters: Uncertain significance (2). Last evaluated 2026-02-23.

Conditions:
BAAT-related disorder. Also called: BAAT-related condition.

Allele frequency attached by ClinVar (database versions not stated): gnomAD 0.00001; gnomAD exomes 0.00002; TOPMed 0.00002.
gnomAD v4.1: 14 of 1,613,972 alleles (0.00087%); highest among the groups gnomAD compares: Admixed American, 0.015%; no homozygotes.

Submissions (2):

PreventionGenetics, part of Exact Sciences
Classification: Uncertain significance for BAAT-related condition. Last evaluated: 2026-02-23. Review status: criteria provided, single submitter. Criteria: ACMG Guidelines, 2015. Collection method: clinical testing. Allele origin: germline.
Comment: The BAAT c.1126A>G variant is predicted to result in the amino acid substitution p.Thr376Ala. To our knowledge, this variant has not been reported in the literature. This variant is reported in 0.017% of alleles in individuals of Latino descent in gnomAD. At this time, the clinical significance of this variant is uncertain due to the absence of conclusive functional and genetic evidence.

Ambry Genetics
Classification: Uncertain significance. Last evaluated: 2022-10-25. Review status: criteria provided, single submitter. Criteria: Ambry Variant Classification Scheme 2023. Collection method: clinical testing. Allele origin: germline.